The following is an entry in ClinVar:

NM_005993.5(TBCD):c.2583G>A (p.Thr861=)

Gene: TBCD (tubulin folding cofactor D). Cytogenetic location: 17q25.3.
Variant type: single nucleotide variant.
Coding change: c.2583G>A on transcript NM_005993.5 (MANE Select); coding-DNA position 2583, G replaced by A.
Protein change: p.Thr861=; no amino-acid change (threonine 861 retained).
Molecular consequence: synonymous variant.
Genome position (GRCh38, 1-based): chr17:82,927,297, G>A. VCF-style: chr17-82927297-G-A. GRCh37 (hg19) VCF-style: chr17-80885173-G-A.
Other names: c.2532G>A, p.Thr844= (NM_001411101.1); c.2502G>A, p.Thr834= (NM_001411102.1); c.2583G>A (NM_005993.4).
Identifiers: ClinVar variation 2083615 (VCV002083615.6), dbSNP rs193084320, ClinGen allele CA8863117.

ClinVar aggregate classification (germline): Likely benign. Review status: criteria provided, multiple submitters, no conflicts (2 of 4 stars). 3 submissions from 3 submitters: Likely benign (3). Last evaluated 2026-06-09.

Conditions:
TBCD-related disorder. Also called: TBCD-related condition.

Allele frequency attached by ClinVar (database versions not stated): ESP Exome Variant Server 0.00008; 1000 Genomes Project 30x 0.00016; TOPMed 0.00019; 1000 Genomes Project 0.00020; gnomAD 0.00023; gnomAD exomes 0.00023; ExAC 0.00031.

Submissions (3):

PreventionGenetics, part of Exact Sciences
Classification: Likely benign for TBCD-related condition. Last evaluated: 2026-06-09. Review status: criteria provided, single submitter. Criteria: ACMG Guidelines, 2015. Collection method: clinical testing. Allele origin: germline.
Comment: This variant is classified as likely benign based on ACMG/AMP sequence variant interpretation guidelines (Richards et al. 2015 PMID: 25741868, with internal and published modifications).

Labcorp Genetics (formerly Invitae), Labcorp
Classification: Likely benign. Last evaluated: 2025-10-01. Review status: criteria provided, single submitter. Criteria: Invitae Variant Classification Sherloc (09022015). Collection method: clinical testing. Allele origin: germline.

Blueprint Genetics
Classification: Likely benign. Last evaluated: 2024-10-30. Review status: criteria provided, single submitter. Criteria: ACMG Guidelines, 2015. Collection method: clinical testing. Allele origin: germline.